The following is an entry in ClinVar:

ClinVar aggregate classification (germline): Likely benign. Review status: criteria provided, multiple submitters, no conflicts (2 of 4 stars). 3 submissions from 3 submitters: Likely benign (3). Last evaluated 2024-12-01.

Conditions:
DICER1-related tumor predisposition. Also called: DICER1 syndrome; DICER1-related pleuropulmonary blastoma cancer predisposition syndrome. Identifiers: Orphanet 284343, MedGen C3839822, MONDO:0100216.
Hereditary cancer-predisposing syndrome. Also called: Hereditary neoplastic syndrome; Tumor predisposition; Neoplastic Syndromes, Hereditary; Hereditary Cancer Syndrome. Identifiers: Orphanet 140162, MedGen C0027672, MeSH D009386, MONDO:0015356.

Submissions (3):

CeGaT Center for Human Genetics Tuebingen
Classification: Likely benign. Last evaluated: 2024-12-01. Review status: criteria provided, single submitter. Criteria: CeGaT Center For Human Genetics Tuebingen Variant Classification Criteria Version 2. Collection method: clinical testing. Allele origin: germline. Affected: yes. Observed: 1 variant allele.
Comment: DICER1: PM2:Supporting, BP4, BP7

Labcorp Genetics (formerly Invitae), Labcorp
Classification: Likely benign for DICER1-related tumor predisposition. Last evaluated: 2023-08-23. Review status: criteria provided, single submitter. Criteria: Invitae Variant Classification Sherloc (09022015). Collection method: clinical testing. Allele origin: germline.

Ambry Genetics
Classification: Likely benign for Hereditary cancer-predisposing syndrome. Last evaluated: 2017-07-21. Review status: criteria provided, single submitter. Criteria: Ambry Variant Classification Scheme 2023. Collection method: clinical testing. Allele origin: germline.

NM_177438.3(DICER1):c.1941T>A (p.Thr647=)

Gene: DICER1 (dicer 1, ribonuclease III; minus strand). Cytogenetic location: 14q32.13.
Variant type: single nucleotide variant.
Coding change: c.1941T>A on transcript NM_177438.3 (MANE Select); coding-DNA position 1941, T replaced by A.
Protein change: p.Thr647=; no amino-acid change (threonine 647 retained).
Molecular consequence: synonymous variant.
Genome position (GRCh38, 1-based): chr14:95,113,191, A>T on the plus strand (T>A on the coding strand, the complement: DICER1 is on the minus strand). VCF-style: chr14-95113191-A-T. GRCh37 (hg19) VCF-style: chr14-95579528-A-T.
Other names: c.1941T>A, p.Thr647= (NM_001195573.1, NM_001271282.3, NM_001291628.2 and 1 more transcripts).
Identifiers: ClinVar variation 479654 (VCV000479654.21), dbSNP rs1555372097, ClinGen allele CA487630220.